The following is an entry in ClinVar:

ClinVar aggregate classification (germline): Uncertain significance (1 of 4 stars; one submission).

gnomAD v4.1: 23 of 1,612,850 alleles (0.0014%); highest among the groups gnomAD compares: African/African-American, 0.011%; no homozygotes.

Submission:

Labcorp Genetics (formerly Invitae), Labcorp
Classification: Uncertain significance. Last evaluated: 2025-04-18. Review status: criteria provided, single submitter. Criteria: Invitae Variant Classification Sherloc (09022015). Collection method: clinical testing. Allele origin: germline.
Comment: This sequence change replaces glutamine, which is neutral and polar, with histidine, which is basic and polar, at codon 291 of the PALM protein (p.Gln291His). This variant is present in population databases (rs373394197, gnomAD 0.02%). This variant has not been reported in the literature in individuals affected with PALM-related conditions. An algorithm developed to predict the effect of missense changes on protein structure and function (PolyPhen-2) suggests that this variant is likely to be disruptive. In summary, the available evidence is currently insufficient to determine the role of this variant in disease. Therefore, it has been classified as a Variant of Uncertain Significance.

NM_002579.3(PALM):c.873G>T (p.Gln291His)

Gene: PALM (paralemmin; plus strand). Cytogenetic location: 19p13.3.
Variant type: single nucleotide variant.
Coding change: c.873G>T on transcript NM_002579.3 (MANE Select); coding-DNA position 873, G replaced by T.
Protein change: p.Gln291His; replaces glutamine 291 with histidine.
Molecular consequence: missense variant.
Genome position (GRCh38, 1-based): chr19:746,523, G>T. VCF-style: chr19-746523-G-T. GRCh37 (hg19) VCF-style: chr19-746523-G-T.
Other names: c.741G>T, p.Gln247His (NM_001040134.2); short protein forms Q247H, Q291H.
Identifiers: ClinVar variation 4748476 (VCV004748476.1).
Genomic context (GRCh38, chr19:746,523, plus strand): 5'-GGAGATCACCGGTGTGCAGGCACAGCCAGGCGAGGCCACGTCCGGCCCGCCGGGGATCCA[G>T]CCCGGCCAGGAGCCCCCGGTCACAATGATCTTCATGGGTTACCAGAACGTGGAGGATGAG-3'
Protein context (NP_002570.2, residues 281-301): GEATSGPPGI[Gln291His]PGQEPPVTMI